The following is an entry in ClinVar:

NM_000051.4(ATM):c.6773T>C (p.Leu2258Pro)

Genes: ATM (ATM serine/threonine kinase; plus strand), C11orf65 (chromosome 11 open reading frame 65; minus strand). Cytogenetic location: 11q22.3.
Variant type: single nucleotide variant.
Coding change: c.6773T>C on transcript NM_000051.4 (MANE Select); coding-DNA position 6773, T replaced by C.
Protein change: p.Leu2258Pro; replaces leucine 2258 with proline.
Molecular consequence: missense variant. On other transcripts: intron variant (2).
Genome position (GRCh38, 1-based): chr11:108,325,510, T>C. VCF-style: chr11-108325510-T-C. GRCh37 (hg19) VCF-style: chr11-108196237-T-C.
Other names: c.6773T>C, p.Leu2258Pro (NM_001351834.2); c.641-16439A>G (NM_001330368.2); c.*38+9710A>G (NM_001351110.2); short protein forms L2258P.
Identifiers: ClinVar variation 3801332 (VCV003801332.1).

ClinVar aggregate classification (germline): Uncertain significance (1 of 4 stars; one submission).

Conditions:
Hereditary cancer-predisposing syndrome. Also called: Neoplastic Syndromes, Hereditary; Tumor predisposition; Hereditary Cancer Syndrome; Hereditary neoplastic syndrome. Identifiers: Orphanet 140162, MedGen C0027672, MeSH D009386, MONDO:0015356.

Submission:

Ambry Genetics
Classification: Uncertain significance for Hereditary cancer-predisposing syndrome. Last evaluated: 2025-01-02. Review status: criteria provided, single submitter. Criteria: Ambry Variant Classification Scheme 2023. Collection method: clinical testing. Allele origin: germline.
Comment: The p.L2258P variant (also known as c.6773T>C), located in coding exon 45 of the ATM gene, results from a T to C substitution at nucleotide position 6773. The leucine at codon 2258 is replaced by proline, an amino acid with similar properties. This amino acid position is not well conserved in available vertebrate species. In addition, this alteration is predicted to be deleterious by in silico analysis. Based on the available evidence, the clinical significance of this variant remains unclear.